The following is an entry in ClinVar:

NM_005502.4(ABCA1):c.1836G>C (p.Glu612Asp)

Gene: ABCA1 (ATP binding cassette subfamily A member 1; minus strand). Cytogenetic location: 9q31.1.
Variant type: single nucleotide variant.
Coding change: c.1836G>C on transcript NM_005502.4 (MANE Select); coding-DNA position 1836, G replaced by C.
Protein change: p.Glu612Asp; replaces glutamic acid 612 with aspartic acid.
Molecular consequence: missense variant.
Genome position (GRCh38, 1-based): chr9:104,830,981, C>G on the plus strand (G>C on the coding strand, the complement: ABCA1 is on the minus strand). VCF-style: chr9-104830981-C-G. GRCh37 (hg19) VCF-style: chr9-107593262-C-G.
Other names: short protein forms E612D.
Identifiers: ClinVar variation 4236386 (VCV004236386.1).

ClinVar aggregate classification (germline): Uncertain significance (1 of 4 stars; one submission).

Conditions:
Cardiovascular phenotype. Identifiers: MedGen CN230736.

gnomAD v4.1: 1 of 1,613,814 alleles (0.000062%); no homozygotes.

Submission:

Ambry Genetics
Classification: Uncertain significance for Cardiovascular phenotype. Last evaluated: 2025-08-30. Review status: criteria provided, single submitter. Criteria: Ambry Variant Classification Scheme 2023. Collection method: clinical testing. Allele origin: germline.
Comment: The p.E612D variant (also known as c.1836G>C), located in coding exon 13 of the ABCA1 gene, results from a G to C substitution at nucleotide position 1836. The glutamic acid at codon 612 is replaced by aspartic acid, an amino acid with highly similar properties. This amino acid position is conserved. In addition, this alteration is predicted to be tolerated by in silico analysis. Based on the available evidence, the clinical significance of this variant remains unclear.